The following is an entry in ClinVar:

NM_000135.4(FANCA):c.4105G>C (p.Val1369Leu)

Genes: FANCA (FA complementation group A; minus strand), ZNF276 (zinc finger protein 276; plus strand). Cytogenetic location: 16q24.3.
Variant type: single nucleotide variant.
Coding change: c.4105G>C on transcript NM_000135.4 (MANE Select); coding-DNA position 4105, G replaced by C.
Protein change: p.Val1369Leu; replaces valine 1369 with leucine.
Molecular consequence: missense variant. On other transcripts: 3 prime UTR variant (2), non-coding transcript variant (4).
Genome position (GRCh38, 1-based): chr16:89,739,195, C>G on the plus strand (G>C on the coding strand, the complement: FANCA is on the minus strand). VCF-style: chr16-89739195-C-G. GRCh37 (hg19) VCF-style: chr16-89805603-C-G.
Other names: c.4105G>C, p.Val1369Leu (NM_001286167.3); c.*949C>G (NM_001113525.2, NM_152287.4); short protein forms V1369L.
Identifiers: ClinVar variation 1058717 (VCV001058717.11), dbSNP rs201225325, ClinGen allele CA8250785.

ClinVar aggregate classification (germline): Uncertain significance. Review status: criteria provided, single submitter (1 of 4 stars). 2 submissions from 2 submitters: Uncertain significance (1). 1 of the submissions does not count toward it. Last evaluated 2024-04-29.

Conditions:
Fanconi anemia (FA). Also called: Fanconi's anemia. Identifiers: Orphanet 84, MedGen C0015625, MeSH D005199, MONDO:0019391.

Allele frequency attached by ClinVar (database versions not stated): 1000 Genomes Project 30x 0.00016; 1000 Genomes Project 0.00020.
gnomAD v4.1: 12 of 1,614,172 alleles (0.00074%); highest among the groups gnomAD compares: South Asian, 0.0011%; no homozygotes.

Submissions (2):

Labcorp Genetics (formerly Invitae), Labcorp
Classification: Uncertain significance for Fanconi anemia. Last evaluated: 2024-04-29. Review status: criteria provided, single submitter. Criteria: Invitae Variant Classification Sherloc (09022015). Collection method: clinical testing. Allele origin: germline.
Comment: This sequence change replaces valine, which is neutral and non-polar, with leucine, which is neutral and non-polar, at codon 1369 of the FANCA protein (p.Val1369Leu). This variant is present in population databases (rs201225325, gnomAD 0.003%). This variant has not been reported in the literature in individuals affected with FANCA-related conditions. ClinVar contains an entry for this variant (Variation ID: 1058717). Advanced modeling of protein sequence and biophysical properties (such as structural, functional, and spatial information, amino acid conservation, physicochemical variation, residue mobility, and thermodynamic stability) performed at Invitae indicates that this missense variant is not expected to disrupt FANCA protein function with a negative predictive value of 80%. In summary, the available evidence is currently insufficient to determine the role of this variant in disease. Therefore, it has been classified as a Variant of Uncertain Significance.

Natera, Inc.
Classification: Uncertain significance for Fanconi anemia. Last evaluated: 2021-08-18. Review status: no assertion criteria provided. Collection method: clinical testing. Allele origin: germline. Not counted in ClinVar's aggregate classification.